The following is an entry in ClinVar:

ClinVar aggregate classification (germline): Conflicting classifications of pathogenicity. Review status: criteria provided, conflicting classifications (1 of 4 stars). 8 submissions from 5 submitters: Uncertain significance (6); Likely benign (2). Last evaluated 2026-02-16.

Conditions:
Age related macular degeneration 4. Identifiers: MedGen C1853147, MONDO:0012540, OMIM 610698.
Basal laminar drusen. Also called: DRUSEN OF BRUCH MEMBRANE; DRUSEN, CUTICULAR; DRUSEN, EARLY ADULT-ONSET, GROUPED. Identifiers: Orphanet 75376, MedGen C0730295, MONDO:0007472, OMIM 126700.
Hemolytic uremic syndrome, atypical, susceptibility to, 1. Also called: AHUS, SUSCEPTIBILITY TO, 1. Identifiers: Orphanet 2134, Orphanet 90038, MedGen C2749604, MONDO:0009335, OMIM 235400. Disease mechanism: Other.
CFH-Related Dense Deposit Disease / Membranoproliferative Glomerulonephritis Type II. Identifiers: MedGen CN071292.

Allele frequency attached by ClinVar (database versions not stated): gnomAD 0.00004 and 0.00006; TOPMed 0.00005; ExAC 0.00007; ESP Exome Variant Server 0.00023.
gnomAD v4.1: 163 of 1,612,764 alleles (0.01%); highest among the groups gnomAD compares: Middle Eastern, 0.016%; no homozygotes.

Submissions (8):

Women's Health and Genetics/Laboratory Corporation of America, LabCorp
Classification: Uncertain significance. Last evaluated: 2026-02-16. Review status: criteria provided, single submitter. Criteria: LabCorp Variant Classification Summary - May 2015. Collection method: clinical testing. Allele origin: germline.
Comment: Variant summary: CFH c.907C>T (p.Arg303Trp) results in a non-conservative amino acid change in the encoded protein sequence. Algorithms developed to predict the effect of missense changes on protein structure and function are either unavailable or do not agree on the potential impact of this missense change. The variant allele was found at a frequency of 5.6e-05 in 250862 control chromosomes. This frequency is not significantly higher than estimated for disease-causing variants in CFH, allowing no conclusion about variant significance. c.907C>T has been observed in individuals affected with age-related macular degeneration or C3 glomerulopathy, without strong evidence for causality (Ng_2008, Meuleman_2023). These reports do not provide unequivocal conclusions about association of the variant with CFH-Related Disorders. At least one functional study evaluating the variant effect found it to have a marginal impact on function (Biggs_2022). The following publications have been ascertained in the context of this evaluation (PMID: 36445700, 37615951, 18421087). ClinVar contains an entry for this variant (Variation ID: 875964). Based on the evidence outlined above, the variant was classified as uncertain significance.

CeGaT Center for Human Genetics Tuebingen
Classification: Likely benign. Last evaluated: 2026-01-01. Review status: criteria provided, single submitter. Criteria: CeGaT Center For Human Genetics Tuebingen Variant Classification Criteria Version 2. Collection method: clinical testing. Allele origin: germline. Affected: yes. Observed: 1 variant allele.
Comment: CFH: BP4

Genomenon, Inc
Classification: Uncertain significance for Age related macular degeneration 4. Last evaluated: 2025-10-02. Review status: criteria provided, single submitter. Criteria: Genomenon Sequence Variant Interpretation Standards - Updated. Collection method: curation. Allele origin: germline. Affected: yes.
Comment: CFH p.Arg303Trp (c.907C>T) is a missense variant that changes the amino acid at residue 303 from Arginine to Tryptophan. This variant has been observed in at least one proband affected with age-related macular degeneration (PMID:18421087). Functional studies have been reported (PMID:36445700;27905547). It is absent or not present at a significant frequency in gnomAD. In silico models agree that this variant is not damaging. In conclusion, we classify CFH p.Arg303Trp (c.907C>T) as a variant of uncertain significance.

Labcorp Genetics (formerly Invitae), Labcorp
Classification: Uncertain significance. Last evaluated: 2025-04-14. Review status: criteria provided, single submitter. Criteria: Invitae Variant Classification Sherloc (09022015). Collection method: clinical testing. Allele origin: germline.
Comment: This sequence change replaces arginine, which is basic and polar, with tryptophan, which is neutral and slightly polar, at codon 303 of the CFH protein (p.Arg303Trp). This variant is present in population databases (rs142937931, gnomAD 0.01%). This variant has not been reported in the literature in individuals affected with CFH-related conditions. ClinVar contains an entry for this variant (Variation ID: 875964). An algorithm developed to predict the effect of missense changes on protein structure and function (PolyPhen-2) suggests that this variant is likely to be disruptive. Experimental studies are conflicting or provide insufficient evidence to determine the effect of this variant on CFH function (PMID: 36445700). In summary, the available evidence is currently insufficient to determine the role of this variant in disease. Therefore, it has been classified as a Variant of Uncertain Significance.

Illumina Laboratory Services, Illumina
Classification: Uncertain significance for Membranoproliferative glomerulonephritis with complement factor h deficiency. Last evaluated: 2018-01-12. Review status: criteria provided, single submitter. Criteria: ICSL Variant Classification Criteria 13 December 2019. Collection method: clinical testing. Allele origin: germline.

Illumina Laboratory Services, Illumina
Classification: Uncertain significance for Age related macular degeneration 4. Last evaluated: 2018-01-12. Review status: criteria provided, single submitter. Criteria: ICSL Variant Classification Criteria 13 December 2019. Collection method: clinical testing. Allele origin: germline.

Illumina Laboratory Services, Illumina
Classification: Uncertain significance for Basal laminar drusen. Last evaluated: 2018-01-12. Review status: criteria provided, single submitter. Criteria: ICSL Variant Classification Criteria 13 December 2019. Collection method: clinical testing. Allele origin: germline.

Illumina Laboratory Services, Illumina
Classification: Likely benign for Hemolytic uremic syndrome, atypical, susceptibility to, 1. Last evaluated: 2018-01-12. Review status: criteria provided, single submitter. Criteria: ICSL Variant Classification Criteria 13 December 2019. Collection method: clinical testing. Allele origin: germline.
Comment: This variant was observed in the ICSL laboratory as part of a predisposition screen in an ostensibly healthy population. It had not been previously curated by ICSL or reported in the Human Gene Mutation Database (HGMD: prior to June 1st, 2018), and was therefore a candidate for classification through an automated scoring system. Utilizing variant allele frequency, disease prevalence and penetrance estimates, and inheritance mode, an automated score was calculated to assess if this variant is too frequent to cause the disease. Based on the score and internal cut-off values, a variant classified as likely benign is not then subjected to further curation. The score for this variant resulted in a classification of likely benign for this disease.

Literature cited by the submitters: PubMed 18421087 (cited by Women's Health and Genetics/Laboratory Corporation of America, LabCorp and Genomenon, Inc); PubMed 36445700 (cited by 3 submitters); PubMed 37615951 (cited by Women's Health and Genetics/Laboratory Corporation of America, LabCorp); PubMed 27905547 (cited by Genomenon, Inc).

NM_000186.4(CFH):c.907C>T (p.Arg303Trp)

Gene: CFH (complement factor H; plus strand). Cytogenetic location: 1q31.3.
Variant type: single nucleotide variant.
Coding change: c.907C>T on transcript NM_000186.4 (MANE Select); coding-DNA position 907, C replaced by T.
Protein change: p.Arg303Trp; replaces arginine 303 with tryptophan.
Molecular consequence: missense variant.
Genome position (GRCh38, 1-based): chr1:196,685,180, C>T. VCF-style: chr1-196685180-C-T. GRCh37 (hg19) VCF-style: chr1-196654310-C-T.
Other names: c.907C>T, p.Arg303Trp (NM_001014975.3); short protein forms R303W.
Identifiers: ClinVar variation 875964 (VCV000875964.15), dbSNP rs142937931, ClinGen allele CA1305197.